The following is an entry in ClinVar:

ClinVar aggregate classification (germline): Uncertain significance (1 of 4 stars; one submission).

Conditions:
ALMS1-related disorder. Also called: ALMS1-related condition.

Submission:

PreventionGenetics, part of Exact Sciences
Classification: Uncertain significance for ALMS1-related condition. Last evaluated: 2025-11-25. Review status: criteria provided, single submitter. Criteria: ACMG Guidelines, 2015. Collection method: clinical testing. Allele origin: germline.
Comment: The ALMS1 c.10927C>T variant is predicted to result in the amino acid substitution p.Leu3643Phe. To our knowledge, this variant has not been reported in the literature. This variant is reported in 0.12% of alleles in individuals of Latino descent in gnomAD. At this time, the clinical significance of this variant is uncertain due to the absence of conclusive functional and genetic evidence.

NM_001378454.1(ALMS1):c.10924C>T (p.His3642Tyr)

Gene: ALMS1 (ALMS1 centrosome and basal body associated protein; plus strand). Cytogenetic location: 2p13.1.
Variant type: single nucleotide variant.
Coding change: c.10924C>T on transcript NM_001378454.1 (MANE Select); coding-DNA position 10924, C replaced by T.
Protein change: p.His3642Tyr; replaces histidine 3642 with tyrosine.
Molecular consequence: missense variant.
Genome position (GRCh38, 1-based): chr2:73,572,801, C>T. VCF-style: chr2-73572801-C-T. GRCh37 (hg19) VCF-style: chr2-73799928-C-T.
Other names: c.10927C>T, p.His3643Tyr (NM_015120.4); short protein forms H3642Y, H3643Y.
Identifiers: ClinVar variation 4981421 (VCV004981421.1).